The following is an entry in ClinVar:

NM_006514.4(SCN10A):c.31A>G (p.Asn11Asp)

Gene: SCN10A (sodium voltage-gated channel alpha subunit 10; minus strand). Cytogenetic location: 3p22.2.
Variant type: single nucleotide variant.
Coding change: c.31A>G on transcript NM_006514.4 (MANE Select); coding-DNA position 31, A replaced by G.
Protein change: p.Asn11Asp; replaces asparagine 11 with aspartic acid.
Molecular consequence: missense variant.
Genome position (GRCh38, 1-based): chr3:38,793,980, T>C on the plus strand (A>G on the coding strand, the complement: SCN10A is on the minus strand). VCF-style: chr3-38793980-T-C. GRCh37 (hg19) VCF-style: chr3-38835471-T-C.
Other names: c.31A>G, p.Asn11Asp (NM_001293306.2, NM_001293307.2); short protein forms N11D.
Identifiers: ClinVar variation 1429843 (VCV001429843.8), dbSNP rs2126062026, ClinGen allele CA352163478.

ClinVar aggregate classification (germline): Uncertain significance (1 of 4 stars; one submission).

Conditions:
Brugada syndrome. Also called: Sudden Unexplained Death Syndrome; Sudden Unexplained Nocturnal Death Syndrome (SUNDS); Sudden unexplained nocturnal death syndrome; Sudden unexpected nocturnal death syndrome. Identifiers: Orphanet 130, MedGen C1142166, MONDO:0015263.

Submission:

Labcorp Genetics (formerly Invitae), Labcorp
Classification: Uncertain significance for Brugada syndrome. Last evaluated: 2020-12-29. Review status: criteria provided, single submitter. Criteria: Invitae Variant Classification Sherloc (09022015). Collection method: clinical testing. Allele origin: germline.
Comment: In summary, the available evidence is currently insufficient to determine the role of this variant in disease. Therefore, it has been classified as a Variant of Uncertain Significance. Advanced modeling of protein sequence and biophysical properties (such as structural, functional, and spatial information, amino acid conservation, physicochemical variation, residue mobility, and thermodynamic stability) performed at Invitae indicates that this missense variant is not expected to disrupt SCN10A protein function. This variant has not been reported in the literature in individuals with SCN10A-related conditions. This variant is not present in population databases (ExAC no frequency). This sequence change replaces asparagine with aspartic acid at codon 11 of the SCN10A protein (p.Asn11Asp). The asparagine residue is weakly conserved and there is a small physicochemical difference between asparagine and aspartic acid.